The following is an entry in ClinVar:

NM_001111125.3(IQSEC2):c.105G>T (p.Gln35His)

Gene: IQSEC2 (IQ motif and Sec7 domain ArfGEF 2; minus strand). Cytogenetic location: Xp11.22.
Variant type: single nucleotide variant.
Coding change: c.105G>T on transcript NM_001111125.3 (MANE Select); coding-DNA position 105, G replaced by T.
Protein change: p.Gln35His; replaces glutamine 35 with histidine.
Molecular consequence: missense variant.
Genome position (GRCh38, 1-based): chrX:53,321,019, C>A on the plus strand (G>T on the coding strand, the complement: IQSEC2 is on the minus strand). VCF-style: chrX-53321019-C-A. GRCh37 (hg19) VCF-style: chrX-53350217-C-A.
Other names: c.105G>T, p.Gln35His (NM_001410736.1, NM_001441092.1); short protein forms Q35H.
Identifiers: ClinVar variation 5008491 (VCV005008491.1).

ClinVar aggregate classification (germline): Uncertain significance (1 of 4 stars; one submission).

Submission:

GeneDx
Classification: Uncertain significance. Last evaluated: 2026-03-05. Review status: criteria provided, single submitter. Criteria: GeneDx Variant Classification Process June 2021. Collection method: clinical testing. Allele origin: germline.
Comment: Not observed at significant frequency in large population cohorts (gnomAD); In silico analysis suggests that this missense variant does not alter protein structure/function; Has not been previously published as pathogenic or benign to our knowledge